The following is an entry in ClinVar:

NM_052867.4(NALCN):c.95G>A (p.Trp32Ter)

Gene: NALCN (sodium leak channel, non-selective; minus strand). Cytogenetic location: 13q33.1.
Variant type: single nucleotide variant.
Coding change: c.95G>A on transcript NM_052867.4 (MANE Select); coding-DNA position 95, G replaced by A.
Protein change: p.Trp32Ter; replaces tryptophan 32 with a stop codon.
Molecular consequence: nonsense.
Genome position (GRCh38, 1-based): chr13:101,399,032, C>T on the plus strand (G>A on the coding strand, the complement: NALCN is on the minus strand). VCF-style: chr13-101399032-C-T. GRCh37 (hg19) VCF-style: chr13-102051383-C-T.
Other names: c.95G>A, p.Trp32Ter (NM_001350748.2, NM_001350749.2, NM_001350750.2 and 1 more transcripts); short protein forms W32*.
Identifiers: ClinVar variation 4888175 (VCV004888175.1).

ClinVar aggregate classification (germline): Likely pathogenic (1 of 4 stars; one submission).

Submission:

GeneDx
Classification: Likely pathogenic. Last evaluated: 2026-02-14. Review status: criteria provided, single submitter. Criteria: GeneDx Variant Classification Process June 2021. Collection method: clinical testing. Allele origin: germline.
Comment: Nonsense variant predicted to result in protein truncation or nonsense mediated decay in a gene for which loss of function is a known mechanism of disease; Not observed at significant frequency in large population cohorts (gnomAD); Has not been previously published as pathogenic or benign to our knowledge